The following is an entry in ClinVar:

NM_022095.4(ZNF335):c.3754-8C>T

Gene: ZNF335 (zinc finger protein 335; minus strand). Cytogenetic location: 20q13.12.
Variant type: single nucleotide variant.
Coding change: c.3754-8C>T on transcript NM_022095.4 (MANE Select); 8 bases into the intron before coding-DNA position 3754, C replaced by T.
Molecular consequence: intron variant.
Genome position (GRCh38, 1-based): chr20:45,949,406, G>A on the plus strand (C>T on the coding strand, the complement: ZNF335 is on the minus strand). VCF-style: chr20-45949406-G-A. GRCh37 (hg19) VCF-style: chr20-44578045-G-A.
Identifiers: ClinVar variation 3048006 (VCV003048006.2), dbSNP rs928931258, ClinGen allele CA315643030.

ClinVar aggregate classification (germline): Likely benign (0 of 4 stars; one submission).

Conditions:
ZNF335-related disorder. Also called: ZNF335-related condition.

Allele frequency attached by ClinVar (database versions not stated): TOPMed below 0.00001; gnomAD exomes 0.00001.
gnomAD v4.1: 9 of 1,614,150 alleles (0.00056%); highest among the groups gnomAD compares: Non-Finnish European, 0.00076%; no homozygotes.

Submission:

PreventionGenetics, part of Exact Sciences
Classification: Likely benign for ZNF335-related condition. Last evaluated: 2022-07-08. Review status: no assertion criteria provided. Collection method: clinical testing. Allele origin: germline.
Comment: This variant is classified as likely benign based on ACMG/AMP sequence variant interpretation guidelines (Richards et al. 2015 PMID: 25741868, with internal and published modifications).